The following is an entry in ClinVar:

ClinVar aggregate classification (germline): Pathogenic. Review status: criteria provided, multiple submitters, no conflicts (2 of 4 stars). 3 submissions from 3 submitters: Pathogenic (3). Last evaluated 2022-05-27.

Conditions:
Autosomal recessive congenital ichthyosis 3 (ARCI3). Also called: ICHTHYOSIS, LAMELLAR, 5. Identifiers: MedGen C3539888, MONDO:0011680, OMIM 606545.
Autosomal recessive congenital ichthyosis 2 (ARCI2). Identifiers: Orphanet 281122, Orphanet 79394, MedGen C3888093, MONDO:0009439, OMIM 242100.

gnomAD v4.1: 2 of 1,614,168 alleles (0.00012%); highest among the groups gnomAD compares: South Asian, 0.0011%; no homozygotes.

Submissions (3):

Clinical Genetics Laboratory, Skane University Hospital Lund
Classification: Pathogenic. Last evaluated: 2022-05-27. Review status: criteria provided, single submitter. Criteria: ACMG Guidelines, 2015. Collection method: clinical testing. Allele origin: germline. Affected: yes.

Victorian Clinical Genetics Services, Murdoch Childrens Research Institute
Classification: Pathogenic for Autosomal recessive congenital ichthyosis 3. Last evaluated: 2020-06-11. Review status: criteria provided, single submitter. Criteria: ACMG Guidelines, 2015. Collection method: clinical testing. Allele origin: germline. Inheritance: Autosomal recessive inheritance. Affected: no.
Comment: Based on the classification scheme VCGS_Germline_v1.3.2, this variant is classified as Pathogenic. Following criteria are met: 0102 - Loss of function is a known mechanism of disease in this gene and is associated with congenital ichthyosis. (I) 0106 - This gene is associated with autosomal recessive disease. (I) 0201 - Variant is predicted to cause nonsense-mediated decay (NMD) and loss of protein (premature termination codon is located at least 54 nucleotides upstream of the final exon-exon junction) (exon 8 of 16). (SP) 0251 - This variant is heterozygous. (I) 0304 - Variant is present in gnomAD <0.01 for a recessive condition (1 heterozygote, 0 homozygotes). (SP) 0701 - Other NMD-predicted variants comparable to the one identified in this case have very strong previous evidence for pathogenicity. More than 9 NMD-predicted variants have been associated with autosomal recessive congenital ichthyosis (ClinVar and PMIDs: 16116617, 19131948, 31046801, 26370990). (SP) 0803 - This variant has limited previous evidence of pathogenicity in an unrelated individual. This variant has been reported as pathogenic in a patient with non-bullous congenital ichthyosiform erythroderma (ClinVar). (SP) 0905 - No published segregation evidence has been identified for this variant. (I) 1007 - No published functional evidence has been identified for this variant. (I) 1208 - Inheritance information for this variant is not currently available in this individual. (I) Legend: (SP) - Supporting pathogenic, (I) - Information, (SB) - Supporting benign

Uitto Lab, Thomas Jefferson University
Classification: Pathogenic for Ichthyosiform Erythroderma, Congenital, Nonbullous, 1. Last evaluated: 2018-06-08. Review status: criteria provided, single submitter. Criteria: ACMG Guidelines, 2015. Collection method: clinical testing. Allele origin: germline. Affected: yes. Study: Rare heritable connective tissue and skin disorders in Iranian cohort.

Literature cited by the submitters: PubMed 16116617 (cited by Victorian Clinical Genetics Services, Murdoch Childrens Research Institute); PubMed 19131948 (cited by Victorian Clinical Genetics Services, Murdoch Childrens Research Institute); PubMed 26370990 (cited by Victorian Clinical Genetics Services, Murdoch Childrens Research Institute); PubMed 31046801 (cited by Victorian Clinical Genetics Services, Murdoch Childrens Research Institute).

NM_021628.3(ALOXE3):c.834C>A (p.Tyr278Ter)

Gene: ALOXE3 (arachidonate lipoxygenase 3; minus strand). Cytogenetic location: 17p13.1.
Variant type: single nucleotide variant.
Coding change: c.834C>A on transcript NM_021628.3 (MANE Select); coding-DNA position 834, C replaced by A.
Protein change: p.Tyr278Ter; replaces tyrosine 278 with a stop codon.
Molecular consequence: nonsense.
Genome position (GRCh38, 1-based): chr17:8,111,482, G>T on the plus strand (C>A on the coding strand, the complement: ALOXE3 is on the minus strand). VCF-style: chr17-8111482-G-T. GRCh37 (hg19) VCF-style: chr17-8014800-G-T.
Other names: c.1230C>A, p.Tyr410Ter (NM_001165960.1); c.831C>A, p.Tyr277Ter (NM_001369446.1); short protein forms Y278*, Y410*, Y277*.
Identifiers: ClinVar variation 633811 (VCV000633811.3), dbSNP rs765682032, ClinGen allele CA8368277.